The following is an entry in ClinVar:

NM_001972.4(ELANE):c.172A>C (p.Thr58Pro)

Gene: ELANE (elastase, neutrophil expressed; plus strand). Cytogenetic location: 19p13.3.
Variant type: single nucleotide variant.
Coding change: c.172A>C on transcript NM_001972.4 (MANE Select); coding-DNA position 172, A replaced by C.
Protein change: p.Thr58Pro; replaces threonine 58 with proline.
Molecular consequence: missense variant.
Genome position (GRCh38, 1-based): chr19:852,980, A>C. VCF-style: chr19-852980-A-C. GRCh37 (hg19) VCF-style: chr19-852980-A-C.
Other names: c.172A>C (LRG_57t1); short protein forms T58P.
Identifiers: ClinVar variation 535840 (VCV000535840.11), dbSNP rs1555709360, ClinGen allele CA402914718.
Genomic context (GRCh38, chr19:852,980, plus strand): 5'-CCCCACGCGTGGCCCTTCATGGTGTCCCTGCAGCTGCGCGGAGGCCACTTCTGCGGCGCC[A>C]CCCTGATTGCGCCCAACTTCGTCATGTCGGCCGCGCACTGCGTGGCGAATGTGTGAGTAG-3'
Protein context (NP_001963.1, residues 48-68): QLRGGHFCGA[Thr58Pro]LIAPNFVMSA

ClinVar aggregate classification (germline): Uncertain significance (1 of 4 stars; one submission).

Conditions:
Neutropenia, severe congenital, 1, autosomal dominant. Identifiers: MedGen C1859966, MONDO:0042490, OMIM 202700.
Cyclical neutropenia. Also called: Cyclic hematopoiesis; Cyclic Neutropenia. Identifiers: Orphanet 2686, MedGen C0221023, MONDO:0008090, OMIM 162800, HP:0040289. Disease mechanism: loss of function.

Submission:

Labcorp Genetics (formerly Invitae), Labcorp
Classification: Uncertain significance for Neutropenia, severe congenital, 1, autosomal dominant; Cyclical neutropenia. Last evaluated: 2017-11-28. Review status: criteria provided, single submitter. Criteria: Invitae Variant Classification Sherloc (09022015). Collection method: clinical testing. Allele origin: germline.
Comment: In summary, the available evidence is currently insufficient to determine the role of this variant in disease. Therefore, it has been classified as a Variant of Uncertain Significance. Algorithms developed to predict the effect of missense changes on protein structure and function do not agree on the potential impact of this missense change (SIFT: "Deleterious"; PolyPhen-2: "Probably Damaging"; Align-GVGD: "Class C0"). This variant has not been reported in the literature in individuals with ELANE-related disease. This variant is not present in population databases (ExAC no frequency). This sequence change replaces threonine with proline at codon 58 of the ELANE protein (p.Thr58Pro). The threonine residue is highly conserved and there is a small physicochemical difference between threonine and proline.